The following is an entry in ClinVar:

NM_000211.5(ITGB2):c.147+9C>T

Gene: ITGB2 (integrin subunit beta 2; minus strand). Cytogenetic location: 21q22.3.
Variant type: single nucleotide variant.
Coding change: c.147+9C>T on transcript NM_000211.5 (MANE Select); 9 bases into the intron after coding-DNA position 147, C replaced by T.
Molecular consequence: intron variant.
Genome position (GRCh38, 1-based): chr21:44,910,275, G>A on the plus strand (C>T on the coding strand, the complement: ITGB2 is on the minus strand). VCF-style: chr21-44910275-G-A. GRCh37 (hg19) VCF-style: chr21-46330190-G-A.
Other names: p.?; c.147+9C>T (NM_001127491.3); c.-61+9C>T (NM_001303238.2).
Identifiers: ClinVar variation 461470 (VCV000461470.23), dbSNP rs199948899, ClinGen allele CA10063385.

ClinVar aggregate classification (germline): Benign/Likely benign. Review status: criteria provided, multiple submitters, no conflicts (2 of 4 stars). 8 submissions from 8 submitters: Benign (2); Likely benign (4). 2 of the submissions do not count toward it. Last evaluated 2026-02-01.

Conditions:
Leukocyte adhesion deficiency 1 (LAD1). Also called: LEUKOCYTE ADHESION DEFICIENCY, TYPE I; LAD 1; Lymphocyte function-associated antigen 1 immunodeficiency; LFA 1 immunodeficiency. Identifiers: Orphanet 2968, Orphanet 99842, MedGen C0398738, MONDO:0007293, OMIM 116920.

Allele frequency attached by ClinVar (database versions not stated): 1000 Genomes Project 30x 0.00156; 1000 Genomes Project 0.00180; gnomAD exomes 0.00201 and 0.00283; TOPMed 0.00206; ExAC 0.00227; gnomAD 0.00234 and 0.00243; ESP Exome Variant Server 0.00315.
gnomAD v4.1: 4,480 of 1,613,540 alleles (0.28%); highest among the groups gnomAD compares: Non-Finnish European, 0.35%; 8 homozygotes.

Submissions (8):

Labcorp Genetics (formerly Invitae), Labcorp
Classification: Benign for Leukocyte adhesion deficiency 1. Last evaluated: 2026-02-01. Review status: criteria provided, single submitter. Criteria: Invitae Variant Classification Sherloc (09022015). Collection method: clinical testing. Allele origin: germline.

Women's Health and Genetics/Laboratory Corporation of America, LabCorp
Classification: Likely benign. Last evaluated: 2026-01-22. Review status: criteria provided, single submitter. Criteria: LabCorp Variant Classification Summary - May 2015. Collection method: clinical testing. Allele origin: germline.

Mayo Clinic Laboratories, Mayo Clinic
Classification: Benign. Last evaluated: 2025-05-05. Review status: criteria provided, single submitter. Criteria: ACMG Guidelines, 2015. Collection method: clinical testing. Allele origin: germline. Observed: 2 variant alleles.
Comment: BS1, BS2, BP4, BP7

Blueprint Genetics
Classification: Likely benign. Last evaluated: 2024-11-26. Review status: criteria provided, single submitter. Criteria: ACMG Guidelines, 2015. Collection method: clinical testing. Allele origin: germline.

Center for Genomics, Ann and Robert H. Lurie Children's Hospital of Chicago
Classification: Likely benign for Leukocyte adhesion deficiency 1. Last evaluated: 2022-10-13. Review status: criteria provided, single submitter. Criteria: ACMG Guidelines, 2015. Collection method: clinical testing. Allele origin: germline.
Comment: ITGB2 NM_000211.4 exon 3 c.147+9C>T: This variant has not been reported in the literature but is present in 0.3% (504/127892) of European alleles, including 1 homozygote in the Genome Aggregation Database. This variant is present in ClinVar (Variation ID:461470). Evolutionary conservation and computational predictive tools for this variant are limited or unavailable. This variant is an intronic variant with no predicted change in the amino acid sequence but may have an unknown effect on splicing. Further studies are needed to understand its impact. In summary, data on this variant is insufficient for disease classification. Therefore, the clinical significance of this variant is uncertain.

Illumina Laboratory Services, Illumina
Classification: Likely benign for Leukocyte adhesion deficiency 1. Last evaluated: 2018-01-13. Review status: criteria provided, single submitter. Criteria: ICSL Variant Classification Criteria 13 December 2019. Collection method: clinical testing. Allele origin: germline.
Comment: This variant was observed in the ICSL laboratory as part of a predisposition screen in an ostensibly healthy population. It had not been previously curated by ICSL or reported in the Human Gene Mutation Database (HGMD: prior to June 1st, 2018), and was therefore a candidate for classification through an automated scoring system. Utilizing variant allele frequency, disease prevalence and penetrance estimates, and inheritance mode, an automated score was calculated to assess if this variant is too frequent to cause the disease. Based on the score and internal cut-off values, a variant classified as likely benign is not then subjected to further curation. The score for this variant resulted in a classification of likely benign for this disease.

Clinical Genetics DNA and cytogenetics Diagnostics Lab, Erasmus MC, Erasmus Medical Center
Classification: Likely benign. Review status: no assertion criteria provided. Collection method: clinical testing. Allele origin: germline. Affected: yes. Study: VKGL Data-share Consensus. Not counted in ClinVar's aggregate classification.

Genome Diagnostics Laboratory, University Medical Center Utrecht
Classification: Likely benign. Review status: no assertion criteria provided. Collection method: clinical testing. Allele origin: germline. Affected: yes. Study: VKGL Data-share Consensus. Not counted in ClinVar's aggregate classification.